The following is an entry in ClinVar:

NM_006420.3(ARFGEF2):c.2133C>T (p.Tyr711=)

Gene: ARFGEF2 (ARF guanine nucleotide exchange factor 2; plus strand). Cytogenetic location: 20q13.13.
Variant type: single nucleotide variant.
Coding change: c.2133C>T on transcript NM_006420.3 (MANE Select); coding-DNA position 2133, C replaced by T.
Protein change: p.Tyr711=; no amino-acid change (tyrosine 711 retained).
Molecular consequence: synonymous variant.
Genome position (GRCh38, 1-based): chr20:48,985,470, C>T. VCF-style: chr20-48985470-C-T. GRCh37 (hg19) VCF-style: chr20-47602007-C-T.
Identifiers: ClinVar variation 898238 (VCV000898238.8), dbSNP rs375355661, ClinGen allele CA9898568.

ClinVar aggregate classification (germline): Conflicting classifications of pathogenicity. Review status: criteria provided, conflicting classifications (1 of 4 stars). 4 submissions from 4 submitters: Uncertain significance (1); Likely benign (3). Last evaluated 2026-08-01.

Conditions:
Periventricular heterotopia with microcephaly, autosomal recessive (ARPHM). Also called: PERIVENTRICULAR NODULAR HETEROTOPIA 2; Periventricular heterotopia with microcephaly. Identifiers: Orphanet 2149, MedGen C1842563, MONDO:0011966, OMIM 608097.

Allele frequency attached by ClinVar (database versions not stated): gnomAD 0.00001 and 0.00002; ExAC 0.00002; gnomAD exomes 0.00003 and 0.00006; TOPMed 0.00006; ESP Exome Variant Server 0.00008; 1000 Genomes Project 30x 0.00016; 1000 Genomes Project 0.00020.
gnomAD v4.1: 96 of 1,614,196 alleles (0.0059%); highest among the groups gnomAD compares: Non-Finnish European, 0.0075%; no homozygotes.

Submissions (4):

CeGaT Center for Human Genetics Tuebingen
Classification: Likely benign. Last evaluated: 2026-08-01. Review status: criteria provided, single submitter. Criteria: CeGaT Center For Human Genetics Tuebingen Variant Classification Criteria Version 2. Collection method: clinical testing. Allele origin: germline. Affected: yes. Observed: 1 variant allele.
Comment: ARFGEF2: BP4, BP7

Labcorp Genetics (formerly Invitae), Labcorp
Classification: Likely benign. Last evaluated: 2024-07-24. Review status: criteria provided, single submitter. Criteria: Invitae Variant Classification Sherloc (09022015). Collection method: clinical testing. Allele origin: germline.

Blueprint Genetics
Classification: Likely benign. Last evaluated: 2024-07-05. Review status: criteria provided, single submitter. Criteria: ACMG Guidelines, 2015. Collection method: clinical testing. Allele origin: germline.

Illumina Laboratory Services, Illumina
Classification: Uncertain significance for Periventricular heterotopia with microcephaly, autosomal recessive. Last evaluated: 2018-01-12. Review status: criteria provided, single submitter. Criteria: ICSL Variant Classification Criteria 13 December 2019. Collection method: clinical testing. Allele origin: germline.